The following is an entry in ClinVar:

ClinVar aggregate classification (germline): Uncertain significance (1 of 4 stars; one submission).

Allele frequency attached by ClinVar (database versions not stated): gnomAD 0.00001 and 0.00002; TOPMed 0.00003; gnomAD exomes 0.00005; ExAC 0.00006.
gnomAD v4.1: 53 of 1,613,608 alleles (0.0033%); highest among the groups gnomAD compares: South Asian, 0.015%; no homozygotes.

Submission:

Labcorp Genetics (formerly Invitae), Labcorp
Classification: Uncertain significance. Last evaluated: 2025-01-29. Review status: criteria provided, single submitter. Criteria: Invitae Variant Classification Sherloc (09022015). Collection method: clinical testing. Allele origin: germline.
Comment: This sequence change replaces arginine, which is basic and polar, with histidine, which is basic and polar, at codon 22 of the CAPN5 protein (p.Arg22His). This variant is present in population databases (rs782464684, gnomAD 0.02%). This variant has not been reported in the literature in individuals affected with CAPN5-related conditions. ClinVar contains an entry for this variant (Variation ID: 1040199). Invitae Evidence Modeling of protein sequence and biophysical properties (such as structural, functional, and spatial information, amino acid conservation, physicochemical variation, residue mobility, and thermodynamic stability) indicates that this missense variant is not expected to disrupt CAPN5 protein function with a negative predictive value of 80%. In summary, the available evidence is currently insufficient to determine the role of this variant in disease. Therefore, it has been classified as a Variant of Uncertain Significance.

NM_004055.5(CAPN5):c.65G>A (p.Arg22His)

Gene: CAPN5 (calpain 5; plus strand). Cytogenetic location: 11q13.5.
Variant type: single nucleotide variant.
Coding change: c.65G>A on transcript NM_004055.5 (MANE Select); coding-DNA position 65, G replaced by A.
Protein change: p.Arg22His; replaces arginine 22 with histidine.
Molecular consequence: missense variant.
Genome position (GRCh38, 1-based): chr11:77,084,951, G>A. VCF-style: chr11-77084951-G-A. GRCh37 (hg19) VCF-style: chr11-76795997-G-A.
Other names: short protein forms R22H.
Identifiers: ClinVar variation 1040199 (VCV001040199.8), dbSNP rs782464684, ClinGen allele CA6196088.